The following is an entry in ClinVar:

ClinVar aggregate classification (germline): Uncertain significance. Review status: criteria provided, multiple submitters, no conflicts (2 of 4 stars). 2 submissions from 2 submitters: Uncertain significance (2). Last evaluated 2024-05-29.

Conditions:
Hereditary cancer-predisposing syndrome. Also called: Hereditary neoplastic syndrome; Neoplastic Syndromes, Hereditary; Hereditary Cancer Syndrome; Tumor predisposition. Identifiers: Orphanet 140162, MedGen C0027672, MeSH D009386, MONDO:0015356.
Familial adenomatous polyposis 1 (FAP1). Also called: FAMILIAL ADENOMATOUS POLYPOSIS 1, ATTENUATED; POLYPOSIS, ADENOMATOUS INTESTINAL. Identifiers: MedGen C2713442, MONDO:0021056, OMIM 175100. Disease mechanism: loss of function.

Submissions (2):

Labcorp Genetics (formerly Invitae), Labcorp
Classification: Uncertain significance for Familial adenomatous polyposis 1. Last evaluated: 2024-05-29. Review status: criteria provided, single submitter. Criteria: Invitae Variant Classification Sherloc (09022015). Collection method: clinical testing. Allele origin: germline.
Comment: This sequence change replaces asparagine, which is neutral and polar, with threonine, which is neutral and polar, at codon 1800 of the APC protein (p.Asn1800Thr). This variant is not present in population databases (gnomAD no frequency). This variant has not been reported in the literature in individuals affected with APC-related conditions. ClinVar contains an entry for this variant (Variation ID: 1720449). Advanced modeling of protein sequence and biophysical properties (such as structural, functional, and spatial information, amino acid conservation, physicochemical variation, residue mobility, and thermodynamic stability) performed at Invitae indicates that this missense variant is not expected to disrupt APC protein function with a negative predictive value of 95%. In summary, the available evidence is currently insufficient to determine the role of this variant in disease. Therefore, it has been classified as a Variant of Uncertain Significance.

Ambry Genetics
Classification: Uncertain significance for Hereditary cancer-predisposing syndrome. Last evaluated: 2021-05-14. Review status: criteria provided, single submitter. Criteria: Ambry Variant Classification Scheme 2023. Collection method: clinical testing. Allele origin: germline.
Comment: The p.N1800T variant (also known as c.5399A>C), located in coding exon 15 of the APC gene, results from an A to C substitution at nucleotide position 5399. The asparagine at codon 1800 is replaced by threonine, an amino acid with similar properties. This amino acid position is well conserved in available vertebrate species. In addition, in silico predictors for this gene do not accurately predict pathogenicity. Since supporting evidence is limited at this time, the clinical significance of this alteration remains unclear.

NM_000038.6(APC):c.5399A>C (p.Asn1800Thr)

Gene: APC (APC regulator of Wnt signaling pathway; plus strand). Cytogenetic location: 5q22.2.
Variant type: single nucleotide variant.
Coding change: c.5399A>C on transcript NM_000038.6 (MANE Select); coding-DNA position 5399, A replaced by C.
Protein change: p.Asn1800Thr; replaces asparagine 1800 with threonine.
Molecular consequence: missense variant.
Genome position (GRCh38, 1-based): chr5:112,840,993, A>C. VCF-style: chr5-112840993-A-C. GRCh37 (hg19) VCF-style: chr5-112176690-A-C.
Other names: c.5399A>C, p.Asn1800Thr (NM_001127510.3, NM_001354895.2, NM_001407450.1); c.5345A>C, p.Asn1782Thr (NM_001127511.3); c.5453A>C, p.Asn1818Thr (NM_001354896.2, NM_001407447.1, NM_001407448.1 and 1 more transcripts); c.5429A>C, p.Asn1810Thr (NM_001354897.2); c.5324A>C, p.Asn1775Thr (NM_001354898.2); c.5315A>C, p.Asn1772Thr (NM_001354899.2); c.5276A>C, p.Asn1759Thr (NM_001354900.2); c.5222A>C, p.Asn1741Thr (NM_001354901.2, NM_001407453.1); and 11 more; short protein forms N1416T, N1517T, N1640T, N1671T, N1674T, N1699T, N1709T, N1717T.
Identifiers: ClinVar variation 1720449 (VCV001720449.8), dbSNP rs865782682, ClinGen allele CA16033133.